The following is an entry in ClinVar:

ClinVar aggregate classification (germline): Uncertain significance (1 of 4 stars; one submission).

Conditions:
Fanconi anemia (FA). Also called: Fanconi's anemia. Identifiers: Orphanet 84, MedGen C0015625, MeSH D005199, MONDO:0019391.

Submission:

Labcorp Genetics (formerly Invitae), Labcorp
Classification: Uncertain significance for Fanconi anemia. Last evaluated: 2023-12-12. Review status: criteria provided, single submitter. Criteria: Invitae Variant Classification Sherloc (09022015). Collection method: clinical testing. Allele origin: unknown.
Comment: This variant results in a copy number gain of the genomic region encompassing exon(s) 11-15 of the FANCC gene. This region includes the termination codon of the gene. This copy number gain extends beyond the assayed region for this gene and therefore may encompass additional genes. As the precise location of this event is unknown, it may be in tandem or it may be located elsewhere in the genome. This variant has not been reported in the literature in individuals affected with FANCC-related conditions. Experimental studies and prediction algorithms are not available or were not evaluated, and the functional significance of this variant is currently unknown. In summary, the available evidence is currently insufficient to determine the role of this variant in disease. Therefore, it has been classified as a Variant of Uncertain Significance.

NC_000009.11:g.(?_97863989)_(97879692_?)dup

Gene: FANCC (FA complementation group C; minus strand). Cytogenetic location: 9q22.32.
Variant type: Duplication.
Identifiers: ClinVar variation 3245064 (VCV003245064.1).